The following is an entry in ClinVar:

NM_003239.5(TGFB3):c.856C>T (p.His286Tyr)

Gene: TGFB3 (transforming growth factor beta 3; minus strand). Cytogenetic location: 14q24.3.
Variant type: single nucleotide variant.
Coding change: c.856C>T on transcript NM_003239.5 (MANE Select); coding-DNA position 856, C replaced by T.
Protein change: p.His286Tyr; replaces histidine 286 with tyrosine.
Molecular consequence: missense variant.
Genome position (GRCh38, 1-based): chr14:75,963,386, G>A on the plus strand (C>T on the coding strand, the complement: TGFB3 is on the minus strand). VCF-style: chr14-75963386-G-A. GRCh37 (hg19) VCF-style: chr14-76429729-G-A.
Other names: c.856C>T, p.His286Tyr (NM_001329938.2, NM_001329939.2); short protein forms H286Y.
Identifiers: ClinVar variation 3707241 (VCV003707241.2).

ClinVar aggregate classification (germline): Uncertain significance (1 of 4 stars; one submission).

Conditions:
Rienhoff syndrome. Also called: LOEYS-DIETZ SYNDROME 5. Identifiers: MedGen C3810012, MONDO:0014262, OMIM 615582.

Submission:

Labcorp Genetics (formerly Invitae), Labcorp
Classification: Uncertain significance for Rienhoff syndrome. Last evaluated: 2025-02-13. Review status: criteria provided, single submitter. Criteria: Invitae Variant Classification Sherloc (09022015). Collection method: clinical testing. Allele origin: germline.
Comment: This sequence change replaces histidine, which is basic and polar, with tyrosine, which is neutral and polar, at codon 286 of the TGFB3 protein (p.His286Tyr). This variant is not present in population databases (gnomAD no frequency). This variant has not been reported in the literature in individuals affected with TGFB3-related conditions. Invitae Evidence Modeling of protein sequence and biophysical properties (such as structural, functional, and spatial information, amino acid conservation, physicochemical variation, residue mobility, and thermodynamic stability) indicates that this missense variant is not expected to disrupt TGFB3 protein function with a negative predictive value of 80%. In summary, the available evidence is currently insufficient to determine the role of this variant in disease. Therefore, it has been classified as a Variant of Uncertain Significance.